The following is an entry in ClinVar:

ClinVar aggregate classification (germline): Uncertain significance (1 of 4 stars; one submission).

Submission:

Ambry Genetics
Classification: Uncertain significance. Last evaluated: 2021-09-07. Review status: criteria provided, single submitter. Criteria: Ambry Variant Classification Scheme 2023. Collection method: clinical testing. Allele origin: germline.
Comment: The p.G132S variant (also known as c.394G>A), located in coding exon 3 of the SLMAP gene, results from a G to A substitution at nucleotide position 394. The glycine at codon 132 is replaced by serine, an amino acid with similar properties. This amino acid position is conserved. In addition, the in silico prediction for this alteration is inconclusive. Since supporting evidence is limited at this time, the clinical significance of this alteration remains unclear.

NM_001377540.1(SLMAP):c.394G>A (p.Gly132Ser)

Gene: SLMAP (sarcolemma associated protein; plus strand). Cytogenetic location: 3p14.3.
Variant type: single nucleotide variant.
Coding change: c.394G>A on transcript NM_001377540.1 (MANE Select); coding-DNA position 394, G replaced by A.
Protein change: p.Gly132Ser; replaces glycine 132 with serine.
Molecular consequence: missense variant. On other transcripts: non-coding transcript variant (1).
Genome position (GRCh38, 1-based): chr3:57,841,346, G>A. VCF-style: chr3-57841346-G-A. GRCh37 (hg19) VCF-style: chr3-57827073-G-A.
Other names: c.394G>A, p.Gly132Ser (NM_001304420.3, NM_001304421.2, NM_001377538.1 and 17 more transcripts); short protein forms G132S.
Identifiers: ClinVar variation 1736415 (VCV001736415.2), dbSNP rs2472430153, ClinGen allele CA353406265.
Genomic context (GRCh38, chr3:57,841,346, plus strand): 5'-TTGTTTCAACCAGTTACCCATGGGTGTATTGTTTCCACAATAAAACTTTTTCTACCAGAT[G>A]GTATGGAAGCCCGGCTCCGCTCAGAGTGAGTATAATTTAGTACTGTGAAGTTTTTGTGAA-3'
Protein context (NP_001364469.1, residues 122-142): VSTIKLFLPD[Gly132Ser]MEARLRSDVI